The following is an entry in ClinVar:

NM_006031.6(PCNT):c.427C>A (p.Arg143Ser)

Gene: PCNT (pericentrin; plus strand). Cytogenetic location: 21q22.3.
Variant type: single nucleotide variant.
Coding change: c.427C>A on transcript NM_006031.6 (MANE Select); coding-DNA position 427, C replaced by A.
Protein change: p.Arg143Ser; replaces arginine 143 with serine.
Molecular consequence: missense variant.
Genome position (GRCh38, 1-based): chr21:46,334,556, C>A. VCF-style: chr21-46334556-C-A. GRCh37 (hg19) VCF-style: chr21-47754470-C-A.
Other names: c.73C>A, p.Arg25Ser (NM_001315529.2); short protein forms R143S, R25S.
Identifiers: ClinVar variation 3349909 (VCV003349909.1).

ClinVar aggregate classification (germline): Uncertain significance (0 of 4 stars; one submission).

Conditions:
PCNT-related disorder. Also called: PCNT-related condition.

gnomAD v4.1: 1 of 1,598,784 alleles (0.000063%); highest among the groups gnomAD compares: African/African-American, 0.0013%; no homozygotes.

Submission:

PreventionGenetics, part of Exact Sciences
Classification: Uncertain significance for PCNT-related condition. Last evaluated: 2023-11-03. Review status: no assertion criteria provided. Collection method: clinical testing. Allele origin: germline.
Comment: The PCNT c.427C>A variant is predicted to result in the amino acid substitution p.Arg143Ser. To our knowledge, this variant has not been reported in the literature. An alternate substitution impacting the same amino acid (p.Arg143His) has been reported to have occurred de novo in an individual with autism spectrum disorder (Table S2, Iossifov et al. 2014. PubMed ID: 25363768), although it should also be noted that the p.Arg143His substitution was reported on 0.37% of alleles in individuals of Ashkenazi Jewish descent in gnomAD, which may be too common to be a primary cause of disease. The c.427C>A (p.Arg143Ser) variant is reported in 0.012% of alleles in individuals of African descent in gnomAD. At this time, the clinical significance of this variant is uncertain due to the absence of conclusive functional and genetic evidence.